The following is an entry in ClinVar:

ClinVar aggregate classification (germline): Uncertain significance (1 of 4 stars; one submission).

Allele frequency attached by ClinVar (database versions not stated): gnomAD exomes below 0.00001.
gnomAD v4.1: 1 of 1,614,092 alleles (0.000062%); highest among the groups gnomAD compares: African/African-American, 0.0013%; no homozygotes.

Submission:

Labcorp Genetics (formerly Invitae), Labcorp
Classification: Uncertain significance. Last evaluated: 2022-02-11. Review status: criteria provided, single submitter. Criteria: Invitae Variant Classification Sherloc (09022015). Collection method: clinical testing. Allele origin: germline.
Comment: This sequence change replaces arginine, which is basic and polar, with glycine, which is neutral and non-polar, at codon 3270 of the USH2A protein (p.Arg3270Gly). This variant is not present in population databases (gnomAD no frequency). This missense change has been observed in individual(s) with retinitis pigmentosa (Invitae). ClinVar contains an entry for this variant (Variation ID: 1009657). Algorithms developed to predict the effect of missense changes on protein structure and function (SIFT, PolyPhen-2, Align-GVGD) all suggest that this variant is likely to be tolerated. In summary, the available evidence is currently insufficient to determine the role of this variant in disease. Therefore, it has been classified as a Variant of Uncertain Significance.

NM_206933.4(USH2A):c.9808A>G (p.Arg3270Gly)

Gene: USH2A (usherin; minus strand). Cytogenetic location: 1q41.
Variant type: single nucleotide variant.
Coding change: c.9808A>G on transcript NM_206933.4 (MANE Select); coding-DNA position 9808, A replaced by G.
Protein change: p.Arg3270Gly; replaces arginine 3270 with glycine.
Molecular consequence: missense variant.
Genome position (GRCh38, 1-based): chr1:215,799,057, T>C on the plus strand (A>G on the coding strand, the complement: USH2A is on the minus strand). VCF-style: chr1-215799057-T-C. GRCh37 (hg19) VCF-style: chr1-215972399-T-C.
Other names: short protein forms R3270G.
Identifiers: ClinVar variation 1009657 (VCV001009657.6), dbSNP rs1662224935, ClinGen allele CA344849601.